The following is an entry in ClinVar:

ClinVar aggregate classification (germline): Uncertain significance (1 of 4 stars; one submission).

Allele frequency attached by ClinVar (database versions not stated): gnomAD exomes below 0.00001; ExAC 0.00001; TOPMed 0.00002.
gnomAD v4.1: 3 of 1,614,156 alleles (0.00019%); highest among the groups gnomAD compares: Admixed American, 0.005%; no homozygotes.

Submission:

Labcorp Genetics (formerly Invitae), Labcorp
Classification: Uncertain significance. Last evaluated: 2023-11-06. Review status: criteria provided, single submitter. Criteria: Invitae Variant Classification Sherloc (09022015). Collection method: clinical testing. Allele origin: germline.
Comment: This sequence change replaces valine, which is neutral and non-polar, with alanine, which is neutral and non-polar, at codon 205 of the SEPSECS protein (p.Val205Ala). This variant is present in population databases (rs764429832, gnomAD 0.006%). This variant has not been reported in the literature in individuals affected with SEPSECS-related conditions. ClinVar contains an entry for this variant (Variation ID: 2144067). Advanced modeling of protein sequence and biophysical properties (such as structural, functional, and spatial information, amino acid conservation, physicochemical variation, residue mobility, and thermodynamic stability) has been performed at Invitae for this missense variant, however the output from this modeling did not meet the statistical confidence thresholds required to predict the impact of this variant on SEPSECS protein function. In summary, the available evidence is currently insufficient to determine the role of this variant in disease. Therefore, it has been classified as a Variant of Uncertain Significance.

NM_016955.4(SEPSECS):c.614T>C (p.Val205Ala)

Gene: SEPSECS (Sep (O-phosphoserine) tRNA:Sec (selenocysteine) tRNA synthase; minus strand). Cytogenetic location: 4p15.2.
Variant type: single nucleotide variant.
Coding change: c.614T>C on transcript NM_016955.4 (MANE Select); coding-DNA position 614, T replaced by C.
Protein change: p.Val205Ala; replaces valine 205 with alanine.
Molecular consequence: missense variant.
Genome position (GRCh38, 1-based): chr4:25,155,085, A>G on the plus strand (T>C on the coding strand, the complement: SEPSECS is on the minus strand). VCF-style: chr4-25155085-A-G. GRCh37 (hg19) VCF-style: chr4-25156707-A-G.
Other names: c.869T>C, p.Val290Ala (NM_001410714.1); c.614T>C, p.Val205Ala (NM_153825.2); short protein forms V290A, V205A.
Identifiers: ClinVar variation 2144067 (VCV002144067.4), dbSNP rs764429832, ClinGen allele CA2877391.
Genomic context (GRCh38, chr4:25,155,085, plus strand): 5'-GATGTAGTAGAATGAATACACAGAATGCAATCAGGCCCAAGTTCCTGGACTTTAGCCTCC[A>G]CTGCTTTCAGGTCTGTACGCAGCTCGTCACCTTCCAAAACATTTTCTATCACCACAGGCT-3'
Protein context (NP_058651.3, residues 195-215): GDELRTDLKA[Val205Ala]EAKVQELGPD